The following is an entry in ClinVar:

ClinVar aggregate classification (germline): Pathogenic/Likely pathogenic. Review status: criteria provided, multiple submitters, no conflicts (2 of 4 stars). 2 submissions from 2 submitters: Pathogenic (1); Likely pathogenic (1). Last evaluated 2026-01-28.

Conditions:
Hereditary cancer-predisposing syndrome. Also called: Tumor predisposition; Hereditary Cancer Syndrome; Hereditary neoplastic syndrome; Neoplastic Syndromes, Hereditary. Identifiers: Orphanet 140162, MedGen C0027672, MeSH D009386, MONDO:0015356.
Tuberous sclerosis 2 (TSC2). Identifiers: Orphanet 805, MedGen C1860707, MONDO:0013199, OMIM 613254.

Submissions (2):

Ambry Genetics
Classification: Likely pathogenic for Hereditary cancer-predisposing syndrome. Last evaluated: 2026-01-28. Review status: criteria provided, single submitter. Criteria: Ambry Variant Classification Scheme 2023. Collection method: clinical testing. Allele origin: germline.
Comment: The p.T913P variant (also known as c.2737A>C), located in coding exon 23 of the TSC2 gene, results from an A to C substitution at nucleotide position 2737. The threonine at codon 913 is replaced by proline, an amino acid with highly similar properties. This variant was reported in at least one individual with features consistent with tuberous sclerosis complex; in at least one individual, it was determined to be de novo (Ambry internal data, External communication). This amino acid position is highly conserved in available vertebrate species. In addition, this alteration is predicted to be deleterious by in silico analysis. This variant is considered to be rare based on population cohorts in the Genome Aggregation Database (gnomAD). Based on the majority of available evidence to date, this variant is likely to be pathogenic.

Labcorp Genetics (formerly Invitae), Labcorp
Classification: Pathogenic for Tuberous sclerosis 2. Last evaluated: 2024-02-16. Review status: criteria provided, single submitter. Criteria: Invitae Variant Classification Sherloc (09022015). Collection method: clinical testing. Allele origin: germline.
Comment: This sequence change replaces threonine, which is neutral and polar, with proline, which is neutral and non-polar, at codon 913 of the TSC2 protein (p.Thr913Pro). This variant is not present in population databases (gnomAD no frequency). This missense change has been observed in individual(s) with clinical features of tuberous sclerosis (Invitae). In at least one individual the variant was observed to be de novo. ClinVar contains an entry for this variant (Variation ID: 1795355). Advanced modeling of protein sequence and biophysical properties (such as structural, functional, and spatial information, amino acid conservation, physicochemical variation, residue mobility, and thermodynamic stability) performed at Invitae indicates that this missense variant is not expected to disrupt TSC2 protein function with a negative predictive value of 95%. Algorithms developed to predict the effect of sequence changes on RNA splicing suggest that this variant may disrupt the consensus splice site. For these reasons, this variant has been classified as Pathogenic.

NM_000548.5(TSC2):c.2737A>C (p.Thr913Pro)

Gene: TSC2 (TSC complex subunit 2; plus strand). Cytogenetic location: 16p13.3.
Variant type: single nucleotide variant.
Coding change: c.2737A>C on transcript NM_000548.5 (MANE Select); coding-DNA position 2737, A replaced by C.
Protein change: p.Thr913Pro; replaces threonine 913 with proline.
Molecular consequence: missense variant.
Genome position (GRCh38, 1-based): chr16:2,076,165, A>C. VCF-style: chr16-2076165-A-C. GRCh37 (hg19) VCF-style: chr16-2126166-A-C.
Other names: c.2737A>C, p.Thr913Pro (NM_001077183.3, NM_001114382.3, NM_001363528.2 and 6 more transcripts); c.2626A>C, p.Thr876Pro (NM_001318827.2, NM_001406670.1, NM_001406678.1); c.2590A>C, p.Thr864Pro (NM_001318829.2, NM_001406675.1, NM_001406676.1 and 1 more transcripts); c.2137A>C, p.Thr713Pro (NM_001318831.2, NM_001406686.1, NM_001406687.1 and 6 more transcripts); c.2770A>C, p.Thr924Pro (NM_001318832.2); c.2827A>C, p.Thr943Pro (NM_001406667.1, NM_001406668.1); c.2725A>C, p.Thr909Pro (NM_001406671.1, NM_001406673.1); c.1393A>C, p.Thr465Pro (NM_001406689.1, NM_001406690.1, NM_001406691.1 and 6 more transcripts); and 3 more; short protein forms T713P, T924P, T379P, T894P, T943P, T465P, T759P, T864P.
Identifiers: ClinVar variation 1795355 (VCV001795355.6), dbSNP rs772378578, ClinGen allele CA394279610.